The following is an entry in ClinVar:

ClinVar aggregate classification (germline): Uncertain significance (1 of 4 stars; one submission).

Submission:

Ambry Genetics
Classification: Uncertain significance. Last evaluated: 2026-05-02. Review status: criteria provided, single submitter. Criteria: Ambry Variant Classification Scheme 2023. Collection method: clinical testing. Allele origin: germline.
Comment: The p.V199L variant (also known as c.595G>C), located in coding exon 5 of the RNF43 gene, results from a G to C substitution at nucleotide position 595. The valine at codon 199 is replaced by leucine, an amino acid with highly similar properties. This amino acid position is conserved. In addition, this alteration is predicted to be tolerated by in silico analysis. Based on the available evidence, the clinical significance of this variant remains unclear.

NM_017763.6(RNF43):c.595G>C (p.Val199Leu)

Gene: RNF43 (ring finger protein 43; minus strand). Cytogenetic location: 17q22.
Variant type: single nucleotide variant.
Coding change: c.595G>C on transcript NM_017763.6 (MANE Select); coding-DNA position 595, G replaced by C.
Protein change: p.Val199Leu; replaces valine 199 with leucine.
Molecular consequence: missense variant.
Genome position (GRCh38, 1-based): chr17:58,362,636, C>G on the plus strand (G>C on the coding strand, the complement: RNF43 is on the minus strand). VCF-style: chr17-58362636-C-G. GRCh37 (hg19) VCF-style: chr17-56439997-C-G.
Other names: c.595G>C, p.Val199Leu (NM_001305544.3, NM_001438820.1, NM_001438821.1 and 1 more transcripts); c.214G>C, p.Val72Leu (NM_001305545.2, NM_001437987.1); short protein forms V199L, V72L.
Identifiers: ClinVar variation 4863414 (VCV004863414.1).